The following is an entry in ClinVar:

ClinVar aggregate classification (germline): Likely benign (1 of 4 stars; one submission).

gnomAD v4.1: 63 of 1,610,656 alleles (0.0039%); highest among the groups gnomAD compares: African/African-American, 0.0054%; 1 homozygote.

Submission:

CeGaT Center for Human Genetics Tuebingen
Classification: Likely benign. Last evaluated: 2024-06-01. Review status: criteria provided, single submitter. Criteria: CeGaT Center For Human Genetics Tuebingen Variant Classification Criteria Version 2. Collection method: clinical testing. Allele origin: germline. Affected: yes. Observed: 1 variant allele.
Comment: KIR2DL4: BP4, BP7

NM_001080770.2(KIR2DL4):c.612C>T (p.Tyr204=)

Gene: KIR2DL4 (killer cell immunoglobulin like receptor, two Ig domains and long cytoplasmic tail 4). Cytogenetic location: 19q13.42.
Variant type: single nucleotide variant.
Coding change: c.612C>T on transcript NM_001080770.2 (MANE Select); coding-DNA position 612, C replaced by T.
Protein change: p.Tyr204=; no amino-acid change (tyrosine 204 retained).
Molecular consequence: synonymous variant.
Genome position (GRCh38, 1-based): chr19:54,806,201, C>T. VCF-style: chr19-54806201-C-T. GRCh37 (hg19) VCF-style: chr19-55317656-C-T.
Other names: c.612C>T, p.Tyr204= (NM_001080772.2).
Identifiers: ClinVar variation 3250526 (VCV003250526.18), dbSNP rs878977590.
Genomic context (GRCh38, chr19:54,806,201, plus strand): 5'-GGGTCCTGCCACCCACGGAGAGACCTACAGATGCTTCGGCTCTTTCCATGGATCTCCCTA[C>T]GAGTGGTCAGACCCGAGTGACCCACTGCCTGTTTCTGTCACAGGTGAGGAAAGCCAATGT-3'
Protein context (NP_001074239.1, residues 194-214): RCFGSFHGSP[Tyr204=]EWSDPSDPLP